The following is an entry in ClinVar:

ClinVar aggregate classification (germline): Likely pathogenic. Review status: criteria provided, multiple submitters, no conflicts (2 of 4 stars). 2 submissions from 2 submitters: Likely pathogenic (2). Last evaluated 2025-09-02.

Conditions:
Long QT syndrome 15 (LQT15). Identifiers: Orphanet 101016, Orphanet 768, MedGen C4015695, MONDO:0014550, OMIM 616249.
Long QT syndrome 1 (LQT1). Identifiers: Orphanet 101016, Orphanet 768, MedGen C4551647, MONDO:0100316, OMIM 192500, MONDO:0008646.

Submissions (2):

Labcorp Genetics (formerly Invitae), Labcorp
Classification: Likely pathogenic for Long QT syndrome 1. Last evaluated: 2025-09-02. Review status: criteria provided, single submitter. Criteria: Invitae Variant Classification Sherloc (09022015). Collection method: clinical testing. Allele origin: germline.
Comment: This sequence change replaces aspartic acid, which is acidic and polar, with asparagine, which is neutral and polar, at codon 134 of the CALM2 protein (p.Asp134Asn). This variant is not present in population databases (gnomAD no frequency). This missense change has been observed in individuals with clinical features of long-QT syndrome (PMID: 31170290, 32383558, 38258601; internal data). ClinVar contains an entry for this variant (Variation ID: 448971). An algorithm developed to predict the effect of missense changes on protein structure and function (PolyPhen-2) suggests that this variant is likely to be tolerated. This variant disrupts the p.Asp134 amino acid residue in CALM2. Other variant(s) that disrupt this residue have been determined to be pathogenic (PMID: 24917665). This suggests that this residue is clinically significant, and that variants that disrupt this residue are likely to be disease-causing. In summary, the currently available evidence indicates that the variant is pathogenic, but additional data are needed to prove that conclusively. Therefore, this variant has been classified as Likely Pathogenic.

MVZ Martinsried, Medicover Genetics
Classification: Likely pathogenic for Long QT syndrome 15. Last evaluated: 2017-06-09. Review status: criteria provided, single submitter. Criteria: ACMG Guidelines, 2015. Collection method: clinical testing. Allele origin: unknown. Affected: yes.

Literature cited by the submitters: PubMed 31170290 (cited by Labcorp Genetics (formerly Invitae), Labcorp); PubMed 32383558 (cited by Labcorp Genetics (formerly Invitae), Labcorp); PubMed 38258601 (cited by Labcorp Genetics (formerly Invitae), Labcorp); PubMed 24917665 (cited by Labcorp Genetics (formerly Invitae), Labcorp).

NM_001743.6(CALM2):c.400G>A (p.Asp134Asn)

Gene: CALM2 (calmodulin 2; minus strand). Cytogenetic location: 2p21.
Variant type: single nucleotide variant.
Coding change: c.400G>A on transcript NM_001743.6 (MANE Select); coding-DNA position 400, G replaced by A.
Protein change: p.Asp134Asn; replaces aspartic acid 134 with asparagine.
Molecular consequence: missense variant.
Genome position (GRCh38, 1-based): chr2:47,161,744, C>T on the plus strand (G>A on the coding strand, the complement: CALM2 is on the minus strand). VCF-style: chr2-47161744-C-T. GRCh37 (hg19) VCF-style: chr2-47388883-C-T.
Other names: c.544G>A, p.Asp182Asn (NM_001305624.1); c.292G>A, p.Asp98Asn (NM_001305625.2, NM_001305626.1); short protein forms D134N, D98N, D182N.
Identifiers: ClinVar variation 448971 (VCV000448971.9), dbSNP rs398124650, ClinGen allele CA346719040.